The following is an entry in ClinVar:

NM_000487.6(ARSA):c.937C>G (p.Arg313Gly)

Gene: ARSA (arylsulfatase A; minus strand). Cytogenetic location: 22q13.33.
Variant type: single nucleotide variant.
Coding change: c.937C>G on transcript NM_000487.6 (MANE Select); coding-DNA position 937, C replaced by G.
Protein change: p.Arg313Gly; replaces arginine 313 with glycine.
Molecular consequence: missense variant.
Genome position (GRCh38, 1-based): chr22:50,626,196, G>C on the plus strand (C>G on the coding strand, the complement: ARSA is on the minus strand). VCF-style: chr22-50626196-G-C. GRCh37 (hg19) VCF-style: chr22-51064624-G-C.
Other names: c.937C>G (NM_000487.5); c.937C>G, p.Arg313Gly (NM_001085425.3, NM_001085426.3, NM_001085427.3); c.679C>G, p.Arg227Gly (NM_001085428.3, NM_001362782.2); short protein forms R313G, R227G.
Identifiers: ClinVar variation 1489713 (VCV001489713.7), dbSNP rs551472773, ClinGen allele CA10324870.

ClinVar aggregate classification (germline): Likely pathogenic. Review status: criteria provided, multiple submitters, no conflicts (2 of 4 stars). 4 submissions from 4 submitters: Likely pathogenic (4). Last evaluated 2025-12-30.

Conditions:
Metachromatic leukodystrophy (MLD). Also called: Arylsulfatase A Deficiency; Cerebral sclerosis diffuse metachromatic form; ARSA DEFICIENCY; CEREBROSIDE SULFATASE DEFICIENCY; SULFATIDE LIPIDOSIS; METACHROMATIC LEUKOENCEPHALOPATHY. Identifiers: Orphanet 512, MedGen C0023522, MONDO:0018868, OMIM 250100.

gnomAD v4.1: 1 of 1,611,092 alleles (0.000062%); highest among the groups gnomAD compares: Non-Finnish European, 0.000085%; no homozygotes.

Submissions (4):

Natera, Inc.
Classification: Likely pathogenic for Metachromatic leukodystrophy. Last evaluated: 2025-12-30. Review status: criteria provided, single submitter. Criteria: Natera Variant Classification Schema (03/2026). Collection method: clinical testing. Allele origin: germline.
Comment: The c.937C>G variant in ARSA is a missense variant predicted to cause substitution of arginine to glycine at amino acid 313. This variant is rare in the general population with a frequency below the threshold expected for the associated phenotype(s). This variant has been observed in one or more individuals affected with the associated recessive disease, as either homozygous or compound heterozygous with a second variant (PMID: 36240581). A different variant at the same position has been determined to be Pathogenic or Likely Pathogenic. Computational prediction algorithms indicate this variant is likely to affect gene or protein function. Given the available evidence, this variant is classified as Likely Pathogenic.

Labcorp Genetics (formerly Invitae), Labcorp
Classification: Likely pathogenic for Metachromatic leukodystrophy. Last evaluated: 2025-08-15. Review status: criteria provided, single submitter. Criteria: Invitae Variant Classification Sherloc (09022015). Collection method: clinical testing. Allele origin: germline.
Comment: This sequence change replaces arginine, which is basic and polar, with glycine, which is neutral and non-polar, at codon 313 of the ARSA protein (p.Arg313Gly). The frequency data for this variant in the population databases is considered unreliable, as metrics indicate poor data quality at this position in the gnomAD database. This missense change has been observed in individual(s) with clinical features of ARSA-related conditions (PMID: 34490615, 36240581). ClinVar contains an entry for this variant (Variation ID: 1489713). Invitae Evidence Modeling of protein sequence and biophysical properties (such as structural, functional, and spatial information, amino acid conservation, physicochemical variation, residue mobility, and thermodynamic stability) indicates that this missense variant is expected to disrupt ARSA protein function with a positive predictive value of 95%. This variant disrupts the p.Arg313 amino acid residue in ARSA. Other variant(s) that disrupt this residue have been determined to be pathogenic (PMID: 21167507, 28667691). This suggests that this residue is clinically significant, and that variants that disrupt this residue are likely to be disease-causing. In summary, the currently available evidence indicates that the variant is pathogenic, but additional data are needed to prove that conclusively. Therefore, this variant has been classified as Likely Pathogenic.

Women's Health and Genetics/Laboratory Corporation of America, LabCorp
Classification: Likely pathogenic for Metachromatic leukodystrophy. Last evaluated: 2025-03-07. Review status: criteria provided, single submitter. Criteria: LabCorp Variant Classification Summary - May 2015. Collection method: clinical testing. Allele origin: germline.
Comment: Variant summary: ARSA c.937C>G (p.Arg313Gly) results in a non-conservative amino acid change in the encoded protein sequence. Four of four in-silico tools predict a damaging effect of the variant on protein function. The variant was absent in 242628 control chromosomes (gnomAD). c.937C>G has been reported in the literature in individuals affected with features of Metachromatic Leukodystrophy (van der Ven_2021, Santhanakumaran_2022). These data indicate that the variant may be associated with disease. A different variant affecting the same codon has been classified as pathogenic by our lab (c.938G>A, p.Arg313Gln), supporting the critical relevance of codon 313 to ARSA protein function. To our knowledge, no experimental evidence demonstrating an impact on protein function has been reported. The following publications have been ascertained in the context of this evaluation (PMID: 34490615, 36240581). ClinVar contains an entry for this variant (Variation ID: 1489713). Based on the evidence outlined above, the variant was classified as likely pathogenic.

Institute of Human Genetics Munich, TUM University Hospital
Classification: Likely pathogenic for Metachromatic leukodystrophy. Last evaluated: 2020-11-20. Review status: criteria provided, single submitter. Criteria: Classification criteria August 2017. Collection method: clinical testing. Allele origin: maternal. Inheritance: Autosomal recessive inheritance. Affected: yes. Observed: 1 variant allele.

Literature cited by the submitters: PubMed 36240581 (cited by 3 submitters); PubMed 34490615 (cited by Labcorp Genetics (formerly Invitae), Labcorp and Women's Health and Genetics/Laboratory Corporation of America, LabCorp); PubMed 21167507 (cited by Labcorp Genetics (formerly Invitae), Labcorp); PubMed 28667691 (cited by Labcorp Genetics (formerly Invitae), Labcorp).